The following is an entry in ClinVar:

ClinVar aggregate classification (germline): Uncertain significance. Review status: criteria provided, multiple submitters, no conflicts (2 of 4 stars). 3 submissions from 3 submitters: Uncertain significance (3). Last evaluated 2025-04-12.

Conditions:
MYH3-related disorder. Also called: MYH3-Related Disorders; MYH3-related condition. Identifiers: MedGen CN239329.
Inborn genetic diseases. Identifiers: MedGen C0950123, MeSH D030342.

Allele frequency attached by ClinVar (database versions not stated): gnomAD exomes 0.00002; TOPMed 0.00002.
gnomAD v4.1: 30 of 1,613,952 alleles (0.0019%); highest among the groups gnomAD compares: Non-Finnish European, 0.0025%; no homozygotes.

Submissions (3):

Ambry Genetics
Classification: Uncertain significance for Inborn genetic diseases. Last evaluated: 2025-04-12. Review status: criteria provided, single submitter. Criteria: Ambry Variant Classification Scheme 2023. Collection method: clinical testing. Allele origin: germline.

Labcorp Genetics (formerly Invitae), Labcorp
Classification: Uncertain significance. Last evaluated: 2025-01-20. Review status: criteria provided, single submitter. Criteria: Invitae Variant Classification Sherloc (09022015). Collection method: clinical testing. Allele origin: germline.
Comment: This sequence change replaces arginine, which is basic and polar, with histidine, which is basic and polar, at codon 1677 of the MYH3 protein (p.Arg1677His). This variant is present in population databases (rs766750914, gnomAD 0.002%). This variant has not been reported in the literature in individuals affected with MYH3-related conditions. ClinVar contains an entry for this variant (Variation ID: 2079765). Invitae Evidence Modeling of protein sequence and biophysical properties (such as structural, functional, and spatial information, amino acid conservation, physicochemical variation, residue mobility, and thermodynamic stability) indicates that this missense variant is not expected to disrupt MYH3 protein function with a negative predictive value of 95%. In summary, the available evidence is currently insufficient to determine the role of this variant in disease. Therefore, it has been classified as a Variant of Uncertain Significance.

PreventionGenetics, part of Exact Sciences
Classification: Uncertain significance for MYH3-related condition. Last evaluated: 2024-12-17. Review status: criteria provided, single submitter. Criteria: ACMG Guidelines, 2015. Collection method: clinical testing. Allele origin: germline.
Comment: The MYH3 c.5030G>A variant is predicted to result in the amino acid substitution p.Arg1677His. To our knowledge, this variant has not been reported in the literature. This variant is reported in 0.0018% of alleles in individuals of European (non-Finnish) descent in gnomAD. At this time, the clinical significance of this variant is uncertain due to the absence of conclusive functional and genetic evidence.

NM_002470.4(MYH3):c.5030G>A (p.Arg1677His)

Gene: MYH3 (myosin heavy chain 3; minus strand). Cytogenetic location: 17p13.1.
Variant type: single nucleotide variant.
Coding change: c.5030G>A on transcript NM_002470.4 (MANE Select); coding-DNA position 5030, G replaced by A.
Protein change: p.Arg1677His; replaces arginine 1677 with histidine.
Molecular consequence: missense variant.
Genome position (GRCh38, 1-based): chr17:10,631,943, C>T on the plus strand (G>A on the coding strand, the complement: MYH3 is on the minus strand). VCF-style: chr17-10631943-C-T. GRCh37 (hg19) VCF-style: chr17-10535260-C-T.
Other names: c.5030G>A (NM_002470.3); short protein forms R1677H.
Identifiers: ClinVar variation 2079765 (VCV002079765.6), dbSNP rs766750914, ClinGen allele CA8392063.